The following is an entry in ClinVar:

ClinVar aggregate classification (germline): Uncertain significance (1 of 4 stars; one submission).

Conditions:
Cardiovascular phenotype. Identifiers: MedGen CN230736.

Submission:

Ambry Genetics
Classification: Uncertain significance for Cardiovascular phenotype. Last evaluated: 2025-05-08. Review status: criteria provided, single submitter. Criteria: Ambry Variant Classification Scheme 2023. Collection method: clinical testing. Allele origin: germline.
Comment: The p.K273R variant (also known as c.818A>G), located in coding exon 6 of the SCN10A gene, results from an A to G substitution at nucleotide position 818. The lysine at codon 273 is replaced by arginine, an amino acid with highly similar properties. This amino acid position is conserved. In addition, this alteration is predicted to be tolerated by in silico analysis. Based on the available evidence, the clinical significance of this variant remains unclear.

NM_006514.4(SCN10A):c.818A>G (p.Lys273Arg)

Gene: SCN10A (sodium voltage-gated channel alpha subunit 10; minus strand). Cytogenetic location: 3p22.2.
Variant type: single nucleotide variant.
Coding change: c.818A>G on transcript NM_006514.4 (MANE Select); coding-DNA position 818, A replaced by G.
Protein change: p.Lys273Arg; replaces lysine 273 with arginine.
Molecular consequence: missense variant.
Genome position (GRCh38, 1-based): chr3:38,761,257, T>C on the plus strand (A>G on the coding strand, the complement: SCN10A is on the minus strand). VCF-style: chr3-38761257-T-C. GRCh37 (hg19) VCF-style: chr3-38802748-T-C.
Other names: c.818A>G, p.Lys273Arg (NM_001293306.2, NM_001293307.2); short protein forms K273R.
Identifiers: ClinVar variation 3950873 (VCV003950873.1).